The following is an entry in ClinVar:

ClinVar aggregate classification (germline): Uncertain significance (1 of 4 stars; one submission).

Conditions:
Tuberous sclerosis 2 (TSC2). Identifiers: Orphanet 805, MedGen C1860707, MONDO:0013199, OMIM 613254.

Allele frequency attached by ClinVar (database versions not stated): TOPMed below 0.00001.

Submission:

Labcorp Genetics (formerly Invitae), Labcorp
Classification: Uncertain significance for Tuberous sclerosis 2. Last evaluated: 2022-04-07. Review status: criteria provided, single submitter. Criteria: Invitae Variant Classification Sherloc (09022015). Collection method: clinical testing. Allele origin: germline.
Comment: This sequence change replaces lysine, which is basic and polar, with glutamic acid, which is acidic and polar, at codon 128 of the TSC2 protein (p.Lys128Glu). This variant is not present in population databases (gnomAD no frequency). This variant has not been reported in the literature in individuals affected with TSC2-related conditions. Advanced modeling of protein sequence and biophysical properties (such as structural, functional, and spatial information, amino acid conservation, physicochemical variation, residue mobility, and thermodynamic stability) performed at Invitae indicates that this missense variant is not expected to disrupt TSC2 protein function. In summary, the available evidence is currently insufficient to determine the role of this variant in disease. Therefore, it has been classified as a Variant of Uncertain Significance.

NM_000548.5(TSC2):c.382A>G (p.Lys128Glu)

Gene: TSC2 (TSC complex subunit 2; plus strand). Cytogenetic location: 16p13.3.
Variant type: single nucleotide variant.
Coding change: c.382A>G on transcript NM_000548.5 (MANE Select); coding-DNA position 382, A replaced by G.
Protein change: p.Lys128Glu; replaces lysine 128 with glutamic acid.
Molecular consequence: missense variant. On other transcripts: intron variant (1).
Genome position (GRCh38, 1-based): chr16:2,054,341, A>G. VCF-style: chr16-2054341-A-G. GRCh37 (hg19) VCF-style: chr16-2104342-A-G.
Other names: c.382A>G, p.Lys128Glu (NM_001077183.3, NM_001114382.3, NM_001363528.2 and 8 more transcripts); c.271A>G, p.Lys91Glu (NM_001318827.2, NM_001406670.1, NM_001406678.1); c.235A>G, p.Lys79Glu (NM_001318829.2, NM_001406675.1, NM_001406676.1 and 1 more transcripts); c.415A>G, p.Lys139Glu (NM_001318832.2); c.472A>G, p.Lys158Glu (NM_001406667.1, NM_001406668.1); c.325A>G, p.Lys109Glu (NM_001406677.1); c.-435A>G (NM_001406680.1, NM_001406683.1, NM_001406687.1); c.-64A>G (NM_001406681.1); and 6 more; short protein forms K109E, K158E, K79E, K128E, K139E, K91E.
Identifiers: ClinVar variation 2122388 (VCV002122388.4), dbSNP rs2085502766, ClinGen allele CA394306806.